The following is an entry in ClinVar:

ClinVar aggregate classification (germline): Likely benign. Review status: criteria provided, multiple submitters, no conflicts (2 of 4 stars). 3 submissions from 3 submitters: Likely benign (3). Last evaluated 2025-04-25.

Conditions:
Hereditary cancer-predisposing syndrome. Also called: Neoplastic Syndromes, Hereditary; Hereditary neoplastic syndrome; Hereditary Cancer Syndrome; Tumor predisposition. Identifiers: Orphanet 140162, MedGen C0027672, MeSH D009386, MONDO:0015356.
Tuberous sclerosis 1 (TSC1). Identifiers: Orphanet 805, MedGen C1854465, MONDO:0008612, OMIM 191100.

gnomAD v4.1: 1 of 1,614,086 alleles (0.000062%); no homozygotes.

Submissions (3):

Myriad Genetics, Inc.
Classification: Likely benign for Tuberous sclerosis 1. Last evaluated: 2025-04-25. Review status: criteria provided, single submitter. Criteria: Myriad Autosomal Dominant, Autosomal Recessive and X-Linked Classification Criteria (2023). Collection method: clinical testing. Allele origin: unknown.
Comment: This variant is considered likely benign. This variant is intronic and is not expected to impact mRNA splicing.

Ambry Genetics
Classification: Likely benign for Hereditary cancer-predisposing syndrome. Last evaluated: 2025-03-04. Review status: criteria provided, single submitter. Criteria: Ambry Variant Classification Scheme 2023. Collection method: clinical testing. Allele origin: germline.

Labcorp Genetics (formerly Invitae), Labcorp
Classification: Likely benign for Tuberous sclerosis 1. Last evaluated: 2022-05-16. Review status: criteria provided, single submitter. Criteria: Invitae Variant Classification Sherloc (09022015). Collection method: clinical testing. Allele origin: germline.

NM_000368.5(TSC1):c.2503-4T>C

Gene: TSC1 (TSC complex subunit 1; minus strand). Cytogenetic location: 9q34.13.
Variant type: single nucleotide variant.
Coding change: c.2503-4T>C on transcript NM_000368.5 (MANE Select); 4 bases into the intron before coding-DNA position 2503, T replaced by C.
Molecular consequence: intron variant.
Genome position (GRCh38, 1-based): chr9:132,900,841, A>G on the plus strand (T>C on the coding strand, the complement: TSC1 is on the minus strand). VCF-style: chr9-132900841-A-G. GRCh37 (hg19) VCF-style: chr9-135776228-A-G.
Other names: c.2140-4T>C (NM_001362177.2); c.2350-4T>C (NM_001162427.2); c.2500-4T>C (NM_001162426.2).
Identifiers: ClinVar variation 1082581 (VCV001082581.13), dbSNP rs772414581, ClinGen allele CA591056822.